The following is an entry in ClinVar:

ClinVar aggregate classification (germline): Uncertain significance (1 of 4 stars; one submission).

Submission:

GeneDx
Classification: Uncertain significance. Last evaluated: 2026-07-17. Review status: criteria provided, single submitter. Criteria: GeneDx Variant Classification Process June 2021. Collection method: clinical testing. Allele origin: germline.
Comment: In silico analysis supports a deleterious effect on splicing; Located in a regulatory region; in the absence of functional studies, the actual effect of this sequence change is unknown; No data available from control populations to assess the frequency of this variant; Has not been previously published as pathogenic or benign to our knowledge

NM_005639.3(SYT1):c.-18+5G>C

Gene: SYT1 (synaptotagmin 1; plus strand). Cytogenetic location: 12q21.2.
Variant type: single nucleotide variant.
Coding change: c.-18+5G>C on transcript NM_005639.3 (MANE Select); 5 bases into the intron after 18 bases upstream of the start codon, G replaced by C.
Molecular consequence: intron variant.
Genome position (GRCh38, 1-based): chr12:79,047,367, G>C. VCF-style: chr12-79047367-G-C. GRCh37 (hg19) VCF-style: chr12-79441147-G-C.
Other names: c.-18+5G>C (NM_001135805.2, NM_001415940.1, NM_001415943.1 and 3 more transcripts); c.-60+5G>C (NM_001415939.1); c.-18+69436G>C (NM_001415938.1, NM_001291901.2).
Identifiers: ClinVar variation 4818918 (VCV004818918.2).
Genomic context (GRCh38, chr12:79,047,367, plus strand): 5'-TAATTCTGAAAGAAAGAAAACAAAGAAAAACATACTCCAGAATTCCTAATAGAACAGTAA[G>C]TACTTTAATGACACAATGATGATAATAAATCTGTAAAATTAGAGCTTACAAATGTCTTTT-3'